The following is an entry in ClinVar:

NM_000264.5(PTCH1):c.4239C>T (p.His1413=)

Gene: PTCH1 (patched 1; minus strand). Cytogenetic location: 9q22.32.
Variant type: single nucleotide variant.
Coding change: c.4239C>T on transcript NM_000264.5 (MANE Select); coding-DNA position 4239, C replaced by T.
Protein change: p.His1413=; no amino-acid change (histidine 1413 retained).
Molecular consequence: synonymous variant. On other transcripts: non-coding transcript variant (1).
Genome position (GRCh38, 1-based): chr9:95,447,017, G>A on the plus strand (C>T on the coding strand, the complement: PTCH1 is on the minus strand). VCF-style: chr9-95447017-G-A. GRCh37 (hg19) VCF-style: chr9-98209299-G-A.
Other names: c.4041C>T, p.His1347= (NM_001083602.3); c.4236C>T, p.His1412= (NM_001083603.3); c.3786C>T, p.His1262= (NM_001083604.3, NM_001083605.3, NM_001083606.3 and 1 more transcripts); c.4083C>T, p.His1361= (NM_001354918.2).
Identifiers: ClinVar variation 135900 (VCV000135900.29), dbSNP rs375040845, ClinGen allele CA332569.
Genomic context (GRCh38, chr9:95,447,017, plus strand): 5'-CTGCAGCTCAATGACTTCCACCTTCGAATCCCTCCTCTCACACCGGACGTGGAAAGGCAC[G>A]TGGGGGTCCTCAAACAGGCCGTGGTCAGTCTCAGGGTAGCCTGGGCAGAGTCCCCCTCGG-3'
Protein context (NP_000255.2, residues 1403-1423): ETDHGLFEDP[His1413=]VPFHVRCERR

ClinVar aggregate classification (germline): Likely benign. Review status: criteria provided, multiple submitters, no conflicts (2 of 4 stars). 3 submissions from 3 submitters: Likely benign (3). Last evaluated 2025-12-01.

Conditions:
Hereditary cancer-predisposing syndrome. Also called: Tumor predisposition; Hereditary neoplastic syndrome; Hereditary Cancer Syndrome; Neoplastic Syndromes, Hereditary. Identifiers: Orphanet 140162, MedGen C0027672, MeSH D009386, MONDO:0015356.
Gorlin syndrome. Also called: Basal cell nevus syndrome; Nevoid Basal Cell Carcinoma Syndrome. Identifiers: Orphanet 377, MedGen C0004779, MONDO:0007187.

Allele frequency attached by ClinVar (database versions not stated): gnomAD 0.00001; ExAC 0.00002; gnomAD exomes 0.00002; TOPMed 0.00003; ESP Exome Variant Server 0.00008.
gnomAD v4.1: 30 of 1,614,078 alleles (0.0019%); highest among the groups gnomAD compares: African/African-American, 0.0027%; no homozygotes.

Submissions (3):

Labcorp Genetics (formerly Invitae), Labcorp
Classification: Likely benign for Gorlin syndrome. Last evaluated: 2025-12-01. Review status: criteria provided, single submitter. Criteria: Invitae Variant Classification Sherloc (09022015). Collection method: clinical testing. Allele origin: germline.

CeGaT Center for Human Genetics Tuebingen
Classification: Likely benign. Last evaluated: 2025-01-01. Review status: criteria provided, single submitter. Criteria: CeGaT Center For Human Genetics Tuebingen Variant Classification Criteria Version 2. Collection method: clinical testing. Allele origin: germline. Affected: yes. Observed: 1 variant allele.
Comment: PTCH1: BP4, BP7

Ambry Genetics
Classification: Likely benign for Hereditary cancer-predisposing syndrome. Last evaluated: 2017-10-17. Review status: criteria provided, single submitter. Criteria: Ambry Variant Classification Scheme 2023. Collection method: clinical testing. Allele origin: germline.